The following is an entry in ClinVar:

NM_001844.5(COL2A1):c.2050-1G>C

Gene: COL2A1 (collagen type II alpha 1 chain; minus strand). Cytogenetic location: 12q13.11.
Variant type: single nucleotide variant.
Coding change: c.2050-1G>C on transcript NM_001844.5 (MANE Select); the canonical splice acceptor site of the intron before coding-DNA position 2050, G replaced by C.
Molecular consequence: splice acceptor variant.
Genome position (GRCh38, 1-based): chr12:47,983,138, C>G on the plus strand (G>C on the coding strand, the complement: COL2A1 is on the minus strand). VCF-style: chr12-47983138-C-G. GRCh37 (hg19) VCF-style: chr12-48376921-C-G.
Other names: c.1843-1G>C (NM_033150.3).
Identifiers: ClinVar variation 3359427 (VCV003359427.1).

ClinVar aggregate classification (germline): Pathogenic (1 of 4 stars; one submission).

Submission:

GeneDx
Classification: Pathogenic. Last evaluated: 2024-04-02. Review status: criteria provided, single submitter. Criteria: GeneDx Variant Classification Process June 2021. Collection method: clinical testing. Allele origin: germline. Affected: yes.
Comment: Canonical splice site variant predicted to result in a null allele in a gene for which loss of function is a known mechanism of disease; Not observed at significant frequency in large population cohorts (gnomAD); This variant is associated with the following publications: (PMID: 25525159, 34671977, 35816303, 33502061, 34134972, 15895462)